The following is an entry in ClinVar:

NM_006231.4(POLE):c.6273C>T (p.Pro2091=)

Gene: POLE (DNA polymerase epsilon, catalytic subunit; minus strand). Cytogenetic location: 12q24.33.
Variant type: single nucleotide variant.
Coding change: c.6273C>T on transcript NM_006231.4 (MANE Select); coding-DNA position 6273, C replaced by T.
Protein change: p.Pro2091=; no amino-acid change (proline 2091 retained).
Molecular consequence: synonymous variant.
Genome position (GRCh38, 1-based): chr12:132,632,372, G>A on the plus strand (C>T on the coding strand, the complement: POLE is on the minus strand). VCF-style: chr12-132632372-G-A. GRCh37 (hg19) VCF-style: chr12-133208958-G-A.
Identifiers: ClinVar variation 386268 (VCV000386268.17), dbSNP rs767769851, ClinGen allele CA6892235.

ClinVar aggregate classification (germline): Likely benign. Review status: criteria provided, multiple submitters, no conflicts (2 of 4 stars). 5 submissions from 5 submitters: Likely benign (4). 1 of the submissions does not count toward it. Last evaluated 2025-12-15.

Conditions:
Hereditary cancer-predisposing syndrome. Also called: Tumor predisposition; Neoplastic Syndromes, Hereditary; Hereditary neoplastic syndrome; Hereditary Cancer Syndrome. Identifiers: Orphanet 140162, MedGen C0027672, MeSH D009386, MONDO:0015356.
POLE-related disorder. Also called: POLE-related disorders; POLE-related condition.

Allele frequency attached by ClinVar (database versions not stated): ExAC 0.00001; gnomAD 0.00001; gnomAD exomes 0.00001; TOPMed 0.00001.
gnomAD v4.1: 20 of 1,613,944 alleles (0.0012%); highest among the groups gnomAD compares: East Asian, 0.0045%; no homozygotes.

Submissions (5):

Labcorp Genetics (formerly Invitae), Labcorp
Classification: Likely benign. Last evaluated: 2025-12-15. Review status: criteria provided, single submitter. Criteria: Invitae Variant Classification Sherloc (09022015). Collection method: clinical testing. Allele origin: germline.

Blueprint Genetics
Classification: Likely benign. Last evaluated: 2023-11-20. Review status: criteria provided, single submitter. Criteria: ACMG Guidelines, 2015. Collection method: clinical testing. Allele origin: germline.

Ambry Genetics
Classification: Likely benign for Hereditary cancer-predisposing syndrome. Last evaluated: 2018-01-31. Review status: criteria provided, single submitter. Criteria: Ambry Variant Classification Scheme 2023. Collection method: clinical testing. Allele origin: germline.

GeneDx
Classification: Likely benign. Last evaluated: 2017-05-06. Review status: criteria provided, single submitter. Criteria: GeneDx Variant Classification (06012015). Collection method: clinical testing. Allele origin: germline. Affected: yes.
Comment: This variant is considered likely benign or benign based on one or more of the following criteria: it is a conservative change, it occurs at a poorly conserved position in the protein, it is predicted to be benign by multiple in silico algorithms, and/or has population frequency not consistent with disease.

PreventionGenetics, part of Exact Sciences
Classification: Likely benign for POLE-related condition. Last evaluated: 2019-09-30. Review status: no assertion criteria provided. Collection method: clinical testing. Allele origin: germline. Not counted in ClinVar's aggregate classification.
Comment: This variant is classified as likely benign based on ACMG/AMP sequence variant interpretation guidelines (Richards et al. 2015 PMID: 25741868, with internal and published modifications).